The following is an entry in ClinVar:

ClinVar aggregate classification (germline): Likely benign. Review status: criteria provided, multiple submitters, no conflicts (2 of 4 stars). 2 submissions from 2 submitters: Likely benign (2). Last evaluated 2023-10-27.

Conditions:
Neurofibromatosis, type 2 (SWNV). Also called: BILATERAL ACOUSTIC NEUROFIBROMATOSIS; NF2-Related Schwannomatosis; SCHWANNOMATOSIS, VESTIBULAR. Identifiers: Orphanet 637, MedGen C0027832, MONDO:0007039, OMIM 101000. Disease mechanism: loss of function.

Allele frequency attached by ClinVar (database versions not stated): gnomAD exomes below 0.00001.
gnomAD v4.1: 1 of 1,604,080 alleles (0.000062%); no homozygotes.

Submissions (2):

All of Us Research Program, National Institutes of Health
Classification: Likely benign for Neurofibromatosis, type 2. Last evaluated: 2023-10-27. Review status: criteria provided, single submitter. Criteria: ACMG Guidelines, 2015. Collection method: clinical testing. Allele origin: germline. Inheritance: Autosomal dominant inheritance. Observed: 1 variant allele, 1 heterozygote.
Comment: This study involves interpretation of variants in research participants for the purpose of population health screening. Participant phenotype was not available at the time of variant classification. Additional details can be found in publication PMID: 35346344, PMCID: PMC8962531

Labcorp Genetics (formerly Invitae), Labcorp
Classification: Likely benign for Neurofibromatosis, type 2. Last evaluated: 2023-08-11. Review status: criteria provided, single submitter. Criteria: Invitae Variant Classification Sherloc (09022015). Collection method: clinical testing. Allele origin: germline.

NM_000268.4(NF2):c.42C>G (p.Leu14=)

Gene: NF2 (NF2, moesin-ezrin-radixin like (MERLIN) tumor suppressor; plus strand). Cytogenetic location: 22q12.2.
Variant type: single nucleotide variant.
Coding change: c.42C>G on transcript NM_000268.4 (MANE Select); coding-DNA position 42, C replaced by G.
Protein change: p.Leu14=; no amino-acid change (leucine 14 retained).
Molecular consequence: synonymous variant. On other transcripts: 5 prime UTR variant (4), non-coding transcript variant (1).
Genome position (GRCh38, 1-based): chr22:29,604,040, C>G. VCF-style: chr22-29604040-C-G. GRCh37 (hg19) VCF-style: chr22-30000029-C-G.
Other names: c.-189C>G (NM_001407053.1, NM_001407056.1); c.42C>G, p.Leu14= (NM_001407054.1, NM_001407055.1, NM_001407057.1 and 15 more transcripts); c.-599C>G (NM_001407065.1); c.-215C>G (NM_001407067.1).
Identifiers: ClinVar variation 2799121 (VCV002799121.4), dbSNP rs2518226523, ClinGen allele CA514184166.